The following is an entry in ClinVar:

NM_001003787.4(STRADA):c.859A>T (p.Met287Leu)

Gene: STRADA (STE20 related adaptor alpha; minus strand). Cytogenetic location: 17q23.3.
Variant type: single nucleotide variant.
Coding change: c.859A>T on transcript NM_001003787.4 (MANE Select); coding-DNA position 859, A replaced by T.
Protein change: p.Met287Leu; replaces methionine 287 with leucine.
Molecular consequence: missense variant. On other transcripts: non-coding transcript variant (1).
Genome position (GRCh38, 1-based): chr17:63,704,582, T>A on the plus strand (A>T on the coding strand, the complement: STRADA is on the minus strand). VCF-style: chr17-63704582-T-A. GRCh37 (hg19) VCF-style: chr17-61781942-T-A.
Other names: c.748A>T, p.Met250Leu (NM_001003786.3, NM_001363789.1, NM_153335.6); c.685A>T, p.Met229Leu (NM_001003788.3, NM_001363790.1, NM_001363791.1); c.772A>T, p.Met258Leu (NM_001165969.2, NM_001363787.1); c.727A>T, p.Met243Leu (NM_001165970.2); c.835A>T, p.Met279Leu (NM_001363786.1); c.859A>T, p.Met287Leu (NM_001363788.1); short protein forms M229L, M243L, M287L, M279L, M250L, M258L.
Identifiers: ClinVar variation 1438997 (VCV001438997.5), dbSNP rs2143726814, ClinGen allele CA400588908.
Genomic context (GRCh38, chr17:63,704,582, plus strand): 5'-CGGGGATGGTGCTGGTATCCAACAGGCAGGGCACTGTGCCGTTCAGTTTCTCTAGCAGCA[T>A]CTGGGGAGGACAGAACCAGGACCTGGGCTGTAGCGGGTGGGGGGGGGGGGTGGTCCCTGG-3'
Protein context (NP_001003787.1, residues 277-297): VPFKDMPATQ[Met287Leu]LLEKLNGTVP

ClinVar aggregate classification (germline): Uncertain significance (1 of 4 stars; one submission).

Conditions:
Polyhydramnios, megalencephaly, and symptomatic epilepsy (PMSE). Also called: PMSE SYNDROME. Identifiers: Orphanet 500533, MedGen C1970203, MONDO:0012611, OMIM 611087.

Submission:

Labcorp Genetics (formerly Invitae), Labcorp
Classification: Uncertain significance for Polyhydramnios, megalencephaly, and symptomatic epilepsy. Last evaluated: 2021-08-27. Review status: criteria provided, single submitter. Criteria: Invitae Variant Classification Sherloc (09022015). Collection method: clinical testing. Allele origin: germline.
Comment: This sequence change replaces methionine with leucine at codon 287 of the STRADA protein (p.Met287Leu). The methionine residue is highly conserved and there is a small physicochemical difference between methionine and leucine. This variant is not present in population databases (ExAC no frequency). This variant has not been reported in the literature in individuals affected with STRADA-related conditions. Algorithms developed to predict the effect of missense changes on protein structure and function are either unavailable or do not agree on the potential impact of this missense change (SIFT: "Tolerated"; PolyPhen-2: "Probably Damaging"; Align-GVGD: "Class C0"). In summary, the available evidence is currently insufficient to determine the role of this variant in disease. Therefore, it has been classified as a Variant of Uncertain Significance.